The following is an entry in ClinVar:

NM_001563.4(IMPG1):c.721T>C (p.Ser241Pro)

Gene: IMPG1 (interphotoreceptor matrix proteoglycan 1; minus strand). Cytogenetic location: 6q14.1.
Variant type: single nucleotide variant.
Coding change: c.721T>C on transcript NM_001563.4 (MANE Select); coding-DNA position 721, T replaced by C.
Protein change: p.Ser241Pro; replaces serine 241 with proline.
Molecular consequence: missense variant.
Genome position (GRCh38, 1-based): chr6:76,018,804, A>G on the plus strand (T>C on the coding strand, the complement: IMPG1 is on the minus strand). VCF-style: chr6-76018804-A-G. GRCh37 (hg19) VCF-style: chr6-76728521-A-G.
Other names: c.487T>C, p.Ser163Pro (NM_001282368.2); short protein forms S163P, S241P.
Identifiers: ClinVar variation 2003998 (VCV002003998.4), dbSNP rs2481498552, ClinGen allele CA364778975.

ClinVar aggregate classification (germline): Uncertain significance (1 of 4 stars; one submission).

Allele frequency attached by ClinVar (database versions not stated): gnomAD exomes below 0.00001.
gnomAD v4.1: 4 of 1,612,756 alleles (0.00025%); highest among the groups gnomAD compares: Non-Finnish European, 0.00034%; no homozygotes.

Submission:

Labcorp Genetics (formerly Invitae), Labcorp
Classification: Uncertain significance. Last evaluated: 2022-11-22. Review status: criteria provided, single submitter. Criteria: Invitae Variant Classification Sherloc (09022015). Collection method: clinical testing. Allele origin: germline.
Comment: In summary, the available evidence is currently insufficient to determine the role of this variant in disease. Therefore, it has been classified as a Variant of Uncertain Significance. Algorithms developed to predict the effect of missense changes on protein structure and function are either unavailable or do not agree on the potential impact of this missense change (SIFT: "Tolerated"; PolyPhen-2: "Possibly Damaging"; Align-GVGD: "Class C0"). This variant has not been reported in the literature in individuals affected with IMPG1-related conditions. This variant is not present in population databases (gnomAD no frequency). This sequence change replaces serine, which is neutral and polar, with proline, which is neutral and non-polar, at codon 241 of the IMPG1 protein (p.Ser241Pro).